The following is an entry in ClinVar:

NM_177438.3(DICER1):c.4276A>G (p.Ser1426Gly)

Gene: DICER1 (dicer 1, ribonuclease III; minus strand). Cytogenetic location: 14q32.13.
Variant type: single nucleotide variant.
Coding change: c.4276A>G on transcript NM_177438.3 (MANE Select); coding-DNA position 4276, A replaced by G.
Protein change: p.Ser1426Gly; replaces serine 1426 with glycine.
Molecular consequence: missense variant.
Genome position (GRCh38, 1-based): chr14:95,096,644, T>C on the plus strand (A>G on the coding strand, the complement: DICER1 is on the minus strand). VCF-style: chr14-95096644-T-C. GRCh37 (hg19) VCF-style: chr14-95562981-T-C.
Other names: c.4276A>G, p.Ser1426Gly (NM_001195573.1, NM_001271282.3, NM_001291628.2 and 1 more transcripts); short protein forms S1426G.
Identifiers: ClinVar variation 639198 (VCV000639198.10), dbSNP rs1595342531, ClinGen allele CA390869573.

ClinVar aggregate classification (germline): Uncertain significance (1 of 4 stars; one submission).

Conditions:
DICER1-related tumor predisposition. Also called: DICER1-related pleuropulmonary blastoma cancer predisposition syndrome; DICER1 syndrome. Identifiers: Orphanet 284343, MedGen C3839822, MONDO:0100216.

Submission:

Labcorp Genetics (formerly Invitae), Labcorp
Classification: Uncertain significance for DICER1-related tumor predisposition. Last evaluated: 2018-08-12. Review status: criteria provided, single submitter. Criteria: Invitae Variant Classification Sherloc (09022015). Collection method: clinical testing. Allele origin: germline.
Comment: This variant is not present in population databases (ExAC no frequency). This sequence change replaces serine with glycine at codon 1426 of the DICER1 protein (p.Ser1426Gly). The serine residue is weakly conserved and there is a small physicochemical difference between serine and glycine. This variant has not been reported in the literature in individuals with DICER1-related disease. Algorithms developed to predict the effect of missense changes on protein structure and function output the following: SIFT: "Tolerated"; PolyPhen-2: "Benign"; Align-GVGD: "Class C0". The glycine amino acid residue is found in multiple mammalian species, suggesting that this missense change does not adversely affect protein function. These predictions have not been confirmed by published functional studies and their clinical significance is uncertain. In summary, the available evidence is currently insufficient to determine the role of this variant in disease. Therefore, it has been classified as a Variant of Uncertain Significance.